The following is an entry in ClinVar:

NM_021930.6(RINT1):c.1604G>C (p.Arg535Pro)

Gene: RINT1 (RAD50 interactor 1; plus strand). Cytogenetic location: 7q22.3.
Variant type: single nucleotide variant.
Coding change: c.1604G>C on transcript NM_021930.6 (MANE Select); coding-DNA position 1604, G replaced by C.
Protein change: p.Arg535Pro; replaces arginine 535 with proline.
Molecular consequence: missense variant.
Genome position (GRCh38, 1-based): chr7:105,555,160, G>C. VCF-style: chr7-105555160-G-C. GRCh37 (hg19) VCF-style: chr7-105195607-G-C.
Other names: c.1370G>C, p.Arg457Pro (NM_001346599.2); c.581G>C, p.Arg194Pro (NM_001346600.2, NM_001346603.2); c.680G>C, p.Arg227Pro (NM_001346601.2); short protein forms R227P, R457P, R194P, R535P.
Identifiers: ClinVar variation 3433653 (VCV003433653.1).

ClinVar aggregate classification (germline): Uncertain significance (1 of 4 stars; one submission).

Submission:

Ambry Genetics
Classification: Uncertain significance. Last evaluated: 2024-11-17. Review status: criteria provided, single submitter. Criteria: Ambry Variant Classification Scheme 2023. Collection method: clinical testing. Allele origin: germline.
Comment: The p.R535P variant (also known as c.1604G>C), located in coding exon 11 of the RINT1 gene, results from a G to C substitution at nucleotide position 1604. The arginine at codon 535 is replaced by proline, an amino acid with dissimilar properties. This amino acid position is conserved. In addition, this alteration is predicted to be deleterious by in silico analysis. Based on the available evidence, the clinical significance of this variant remains unclear.